The following is an entry in ClinVar:

NM_004333.6(BRAF):c.219T>G (p.Asn73Lys)

Gene: BRAF (B-Raf proto-oncogene, serine/threonine kinase; minus strand). Cytogenetic location: 7q34.
Variant type: single nucleotide variant.
Coding change: c.219T>G on transcript NM_004333.6 (MANE Select); coding-DNA position 219, T replaced by G.
Protein change: p.Asn73Lys; replaces asparagine 73 with lysine.
Molecular consequence: missense variant. On other transcripts: intron variant (1).
Genome position (GRCh38, 1-based): chr7:140,850,132, A>C on the plus strand (T>G on the coding strand, the complement: BRAF is on the minus strand). VCF-style: chr7-140850132-A-C. GRCh37 (hg19) VCF-style: chr7-140549932-A-C.
Other names: c.219T>G, p.Asn73Lys (NM_001354609.2, NM_001374244.1, NM_001374258.1 and 6 more transcripts); c.63T>G, p.Asn21Lys (NM_001378472.1, NM_001378473.1); c.139-15260T>G (NM_001378470.1); short protein forms N21K, N73K.
Identifiers: ClinVar variation 4215016 (VCV004215016.1).
Genomic context (GRCh38, chr7:140,850,132, plus strand): 5'-TCTTTTCAAAATTACTAGATATGATACTCAAAAGCTTACCTCCAGATATATTGATGGTGG[A>C]TTATGCTCCCCACCAAATTTGTCCAATAGGGCCTCTATATGTTCCTGTGTCAACTTAATC-3'
Protein context (NP_004324.2, residues 63-83): ALLDKFGGEH[Asn73Lys]PPSIYLEAYE

ClinVar aggregate classification (germline): Uncertain significance (1 of 4 stars; one submission).

Conditions:
Cardiovascular phenotype. Identifiers: MedGen CN230736.

Submission:

Ambry Genetics
Classification: Uncertain significance for Cardiovascular phenotype. Last evaluated: 2025-09-12. Review status: criteria provided, single submitter. Criteria: Ambry Variant Classification Scheme 2023. Collection method: clinical testing. Allele origin: germline.
Comment: The p.N73K variant (also known as c.219T>G), located in coding exon 2 of the BRAF gene, results from a T to G substitution at nucleotide position 219. The asparagine at codon 73 is replaced by lysine, an amino acid with similar properties. This amino acid position is conserved. In addition, this alteration is predicted to be tolerated by in silico analysis. Based on the available evidence, the clinical significance of this variant remains unclear.